The following is an entry in ClinVar:

ClinVar aggregate classification (germline): Uncertain significance (1 of 4 stars; one submission).

Conditions:
Congenital muscular dystrophy due to integrin alpha-7 deficiency. Also called: MYOPATHY, CONGENITAL, DUE TO INTEGRIN ALPHA-7 DEFICIENCY; Congenital muscular dystrophy with integrin alpha-7 deficiency; Muscular dystrophy, congenital, due to ITGA7 deficiency. Identifiers: Orphanet 34520, MedGen C2750786, MONDO:0013177, OMIM 613204.

Allele frequency attached by ClinVar (database versions not stated): gnomAD exomes below 0.00001.

Submission:

Labcorp Genetics (formerly Invitae), Labcorp
Classification: Uncertain significance for Congenital muscular dystrophy due to integrin alpha-7 deficiency. Last evaluated: 2022-01-13. Review status: criteria provided, single submitter. Criteria: Invitae Variant Classification Sherloc (09022015). Collection method: clinical testing. Allele origin: germline.
Comment: This sequence change replaces leucine, which is neutral and non-polar, with phenylalanine, which is neutral and non-polar, at codon 226 of the ITGA7 protein (p.Leu226Phe). This variant is not present in population databases (gnomAD no frequency). This variant has not been reported in the literature in individuals affected with ITGA7-related conditions. Algorithms developed to predict the effect of missense changes on protein structure and function (SIFT, PolyPhen-2, Align-GVGD) all suggest that this variant is likely to be tolerated. In summary, the available evidence is currently insufficient to determine the role of this variant in disease. Therefore, it has been classified as a Variant of Uncertain Significance.

NM_002206.3(ITGA7):c.676C>T (p.Leu226Phe)

Gene: ITGA7 (integrin subunit alpha 7; minus strand). Cytogenetic location: 12q13.2.
Variant type: single nucleotide variant.
Coding change: c.676C>T on transcript NM_002206.3 (MANE Select); coding-DNA position 676, C replaced by T.
Protein change: p.Leu226Phe; replaces leucine 226 with phenylalanine.
Molecular consequence: missense variant. On other transcripts: intron variant (7).
Genome position (GRCh38, 1-based): chr12:55,699,984, G>A on the plus strand (C>T on the coding strand, the complement: ITGA7 is on the minus strand). VCF-style: chr12-55699984-G-A. GRCh37 (hg19) VCF-style: chr12-56093768-G-A.
Other names: c.676C>T, p.Leu226Phe (NM_001374465.1, NM_001414031.1, NM_001414034.1); c.808C>T, p.Leu270Phe (NM_001410977.1); c.493C>T, p.Leu165Phe (NM_001414033.1); c.337C>T, p.Leu113Phe (NM_001414035.1); c.511+278C>T (NM_001144997.2); c.463+278C>T (NM_001367993.1); c.-503+915C>T (NM_001367994.1); c.670+915C>T (NM_001414032.1); and 1 more; short protein forms L226F, L270F, L165F, L113F.
Identifiers: ClinVar variation 1376734 (VCV001376734.6), dbSNP rs2136047008, ClinGen allele CA385191604.